The following is an entry in ClinVar:

ClinVar aggregate classification (germline): Uncertain significance. Review status: criteria provided, multiple submitters, no conflicts (2 of 4 stars). 3 submissions from 3 submitters: Uncertain significance (3). Last evaluated 2024-07-24.

gnomAD v4.1: 2 of 1,614,020 alleles (0.00012%); highest among the groups gnomAD compares: Admixed American, 0.0017%; no homozygotes.

Submissions (3):

GeneDx
Classification: Uncertain significance. Last evaluated: 2024-07-24. Review status: criteria provided, single submitter. Criteria: GeneDx Variant Classification Process June 2021. Collection method: clinical testing. Allele origin: germline. Affected: yes.
Comment: In silico analysis supports a deleterious effect on splicing; Has not been previously published as pathogenic or benign to our knowledge

Revvity Omics, Revvity
Classification: Uncertain significance. Last evaluated: 2024-07-17. Review status: criteria provided, single submitter. Criteria: ACMG Guidelines, 2015. Collection method: clinical testing. Allele origin: germline.

Blueprint Genetics
Classification: Uncertain significance. Last evaluated: 2022-01-20. Review status: criteria provided, single submitter. Criteria: ACMG Guidelines, 2015. Collection method: clinical testing. Allele origin: germline.

NM_007118.4(TRIO):c.8019+5G>A

Gene: TRIO (trio Rho guanine nucleotide exchange factor; plus strand). Cytogenetic location: 5p15.2.
Variant type: single nucleotide variant.
Coding change: c.8019+5G>A on transcript NM_007118.4 (MANE Select); 5 bases into the intron after coding-DNA position 8019, G replaced by A.
Molecular consequence: intron variant.
Genome position (GRCh38, 1-based): chr5:14,497,022, G>A. VCF-style: chr5-14497022-G-A. GRCh37 (hg19) VCF-style: chr5-14497131-G-A.
Identifiers: ClinVar variation 3600898 (VCV003600898.3).